The following is an entry in ClinVar:

NM_000090.4(COL3A1):c.625G>A (p.Ala209Thr)

Gene: COL3A1 (collagen type III alpha 1 chain; plus strand). Cytogenetic location: 2q32.2.
Variant type: single nucleotide variant.
Coding change: c.625G>A on transcript NM_000090.4 (MANE Select); coding-DNA position 625, G replaced by A.
Protein change: p.Ala209Thr; replaces alanine 209 with threonine.
Molecular consequence: missense variant.
Genome position (GRCh38, 1-based): chr2:188,988,632, G>A. VCF-style: chr2-188988632-G-A. GRCh37 (hg19) VCF-style: chr2-189853358-G-A.
Other names: short protein forms A209T.
Identifiers: ClinVar variation 1015440 (VCV001015440.9), dbSNP rs1688112510, ClinGen allele CA349848392.

ClinVar aggregate classification (germline): Uncertain significance (1 of 4 stars; one submission).

Conditions:
Ehlers-Danlos syndrome, type 4 (EDSVASC). Also called: Ehlers-Danlos syndrome vascular type; Ehlers Danlos syndrome, ecchymotic type; Ehlers Danlos syndrome, arterial type; Ehlers Danlos syndrome, Sack-Barabas type; Ehlers-Danlos Syndrome Type IV. Identifiers: Orphanet 286, MedGen C0268338, MONDO:0017314, OMIM 130050.

Allele frequency attached by ClinVar (database versions not stated): TOPMed below 0.00001.

Submission:

Labcorp Genetics (formerly Invitae), Labcorp
Classification: Uncertain significance for Ehlers-Danlos syndrome, type 4. Last evaluated: 2024-08-11. Review status: criteria provided, single submitter. Criteria: Invitae Variant Classification Sherloc (09022015). Collection method: clinical testing. Allele origin: germline.
Comment: This sequence change replaces alanine, which is neutral and non-polar, with threonine, which is neutral and polar, at codon 209 of the COL3A1 protein (p.Ala209Thr). This variant is not present in population databases (gnomAD no frequency). This variant has not been reported in the literature in individuals affected with COL3A1-related conditions. ClinVar contains an entry for this variant (Variation ID: 1015440). Advanced modeling of protein sequence and biophysical properties (such as structural, functional, and spatial information, amino acid conservation, physicochemical variation, residue mobility, and thermodynamic stability) performed at Invitae indicates that this missense variant is not expected to disrupt COL3A1 protein function with a negative predictive value of 95%. In summary, the available evidence is currently insufficient to determine the role of this variant in disease. Therefore, it has been classified as a Variant of Uncertain Significance.